The following is an entry in ClinVar:

ClinVar aggregate classification (germline): Uncertain significance. Review status: criteria provided, multiple submitters, no conflicts (2 of 4 stars). 2 submissions from 2 submitters: Uncertain significance (2). Last evaluated 2025-12-10.

Conditions:
Familial cold autoinflammatory syndrome 3 (FCAS3). Also called: ANTIBODY DEFICIENCY AND IMMUNE DYSREGULATION, PLCG2-ASSOCIATED; FAMILIAL ATYPICAL COLD URTICARIA. Identifiers: Orphanet 300359, MedGen C3280914, MONDO:0013766, OMIM 614468.

Allele frequency attached by ClinVar (database versions not stated): gnomAD exomes below 0.00001 and 0.00001; ExAC 0.00001; TOPMed 0.00001.

Submissions (2):

Labcorp Genetics (formerly Invitae), Labcorp
Classification: Uncertain significance for Familial cold autoinflammatory syndrome 3. Last evaluated: 2025-12-10. Review status: criteria provided, single submitter. Criteria: Invitae Variant Classification Sherloc (09022015). Collection method: clinical testing. Allele origin: germline.
Comment: This sequence change replaces glutamic acid, which is acidic and polar, with aspartic acid, which is acidic and polar, at codon 657 of the PLCG2 protein (p.Glu657Asp). This variant is present in population databases (rs758439876, gnomAD 0.0009%). This variant has not been reported in the literature in individuals affected with PLCG2-related conditions. ClinVar contains an entry for this variant (Variation ID: 472893). An algorithm developed to predict the effect of missense changes on protein structure and function (PolyPhen-2) suggests that this variant is likely to be tolerated. In summary, the available evidence is currently insufficient to determine the role of this variant in disease. Therefore, it has been classified as a Variant of Uncertain Significance.

Blueprint Genetics
Classification: Uncertain significance. Last evaluated: 2023-08-24. Review status: criteria provided, single submitter. Criteria: ACMG Guidelines, 2015. Collection method: clinical testing. Allele origin: germline.

NM_002661.5(PLCG2):c.1971G>C (p.Glu657Asp)

Gene: PLCG2 (phospholipase C gamma 2; plus strand). Cytogenetic location: 16q23.3.
Variant type: single nucleotide variant.
Coding change: c.1971G>C on transcript NM_002661.5 (MANE Select); coding-DNA position 1971, G replaced by C.
Protein change: p.Glu657Asp; replaces glutamic acid 657 with aspartic acid.
Molecular consequence: missense variant.
Genome position (GRCh38, 1-based): chr16:81,912,633, G>C. VCF-style: chr16-81912633-G-C. GRCh37 (hg19) VCF-style: chr16-81946238-G-C.
Other names: short protein forms E657D.
Identifiers: ClinVar variation 472893 (VCV000472893.11), dbSNP rs758439876, ClinGen allele CA8194028.